The following is an entry in ClinVar:

ClinVar aggregate classification (germline): Pathogenic/Likely pathogenic. Review status: criteria provided, multiple submitters, no conflicts (2 of 4 stars). 11 submissions from 11 submitters: Pathogenic (6); Likely pathogenic (5). Last evaluated 2026-01-21.

Conditions:
ZEB2-related disorder. Also called: ZEB2-related condition.
Inborn genetic diseases. Identifiers: MedGen C0950123, MeSH D030342.
Mowat-Wilson syndrome (MOWS). Also called: Classic Mowat-Wilson Syndrome. Identifiers: Orphanet 2152, MedGen C1856113, MONDO:0009341, OMIM 235730.
Intellectual disability. Also called: Intellectual functioning disability; intellectual disabilities; Intellectual developmental disorder. Identifiers: MedGen C3714756, MeSH D008607, MONDO:0001071, HP:0001249.

Submissions (11):

Labcorp Genetics (formerly Invitae), Labcorp
Classification: Pathogenic for Mowat-Wilson syndrome. Last evaluated: 2026-01-21. Review status: criteria provided, single submitter. Criteria: Invitae Variant Classification Sherloc (09022015). Collection method: clinical testing. Allele origin: germline.
Comment: This sequence change creates a premature translational stop signal (p.Arg1016*) in the ZEB2 gene. While this is not anticipated to result in nonsense mediated decay, it is expected to disrupt the last 199 amino acid(s) of the ZEB2 protein. This variant is not present in population databases (gnomAD no frequency). This variant has not been reported in the literature in individuals affected with ZEB2-related conditions. ClinVar contains an entry for this variant (Variation ID: 280856). This variant disrupts a region of the ZEB2 protein in which other variant(s) (p.Arg1047Serfs*32) have been determined to be pathogenic (PMID: 16053902). This suggests that this is a clinically significant region of the protein, and that variants that disrupt it are likely to be disease-causing. For these reasons, this variant has been classified as Pathogenic.

Variantyx, Inc.
Classification: Likely pathogenic for Mowat-Wilson syndrome. Last evaluated: 2025-08-23. Review status: criteria provided, single submitter. Criteria: Variantyx Assertion Criteria 2022. Collection method: clinical testing. Allele origin: germline. Inheritance: Autosomal dominant inheritance. Affected: yes.
Comment: This is a nonsense variant in the ZEB2 gene (OMIM: 605802). Pathogenic variants in this gene have been associated with autosomal dominant Mowat-Wilson syndrome. This variant introduces a premature termination codon in exon 9 out of 10 and is expected to result in loss of function, which is a known disease mechanism for ZEB2 in this disorder (PMID: 16053902, 15121779, 19842203) (PVS1). This variant is absent from control populations (PM2). Based on the current evidence, this variant is classified as likely pathogenic for autosomal dominant Mowat-Wilson syndrome.

Ambry Genetics
Classification: Pathogenic for Inborn genetic diseases. Last evaluated: 2025-06-23. Review status: criteria provided, single submitter. Criteria: Ambry Variant Classification Scheme 2023. Collection method: clinical testing. Allele origin: germline.
Comment: The c.3046C>T (p.R1016*) alteration, located in exon 9 (coding exon 8) of the ZEB2 gene, consists of a C to T substitution at nucleotide position 3046. This changes the amino acid from an arginine (R) to a stop codon at amino acid position 1016. This variant is not expected to trigger nonsense-mediated mRNA decay, and impacts the last 16% of the protein. However, premature stop codons are typically deleterious in nature, the impacted region is critical for protein function, and a significant portion of the protein is affected (Ambry internal data). This variant was not reported in population-based cohorts in the Genome Aggregation Database (gnomAD). Based on the available evidence, this alteration is classified as pathogenic.

3billion
Classification: Pathogenic for Mowat-Wilson syndrome. Last evaluated: 2025-05-16. Review status: criteria provided, single submitter. Criteria: ACMG Guidelines, 2015. Collection method: clinical testing. Allele origin: germline. Affected: yes.
Comment: The variant is not observed in the gnomAD v4.1.0 dataset. Predicted Consequence/Location: Stop-gained (nonsense): predicted to result in a loss or disruption of normal protein function through protein truncation. The predicted truncated protein may be shortened by more than 10%. The variant has been reported at least twice as pathogenic with clinical assertions and evidence for the classification (ClinVar ID: VCV000280856). Therefore, this variant is classified as Pathogenic according to the recommendation of ACMG/AMP guideline.

Blueprint Genetics
Classification: Likely pathogenic for ZEB2-related disorders. Last evaluated: 2023-08-30. Review status: criteria provided, single submitter. Criteria: ACMG Guidelines, 2015. Collection method: clinical testing. Allele origin: germline. Affected: yes. Observed: 1 variant allele.

GeneDx
Classification: Pathogenic. Last evaluated: 2023-05-18. Review status: criteria provided, single submitter. Criteria: GeneDx Variant Classification Process June 2021. Collection method: clinical testing. Allele origin: germline. Affected: yes.
Comment: Nonsense variant in the C-terminus predicted to result in protein truncation, as the last 199 amino acids are lost, and other loss-of-function variants have been reported downstream in the Human Gene Mutation Database (HGMD); Not observed in large population cohorts (gnomAD); Has not been previously published as pathogenic or benign to our knowledge; This variant is associated with the following publications: (PMID: 16053902)

Revvity Omics, Revvity
Classification: Likely pathogenic for Mowat-Wilson syndrome. Last evaluated: 2021-12-29. Review status: criteria provided, single submitter. Criteria: ACMG Guidelines, 2015. Collection method: clinical testing. Allele origin: germline.

Genome-Nilou Lab
Classification: Likely pathogenic for Mowat-Wilson syndrome. Last evaluated: 2021-11-07. Review status: criteria provided, single submitter. Criteria: ACMG Guidelines, 2015. Collection method: clinical testing. Allele origin: germline. Affected: no.

Diagnostic Laboratory, Strasbourg University Hospital
Classification: Likely pathogenic for Intellectual disability. Last evaluated: 2020-09-10. Review status: criteria provided, single submitter. Criteria: ACMG Guidelines, 2015. Collection method: clinical testing. Allele origin: de novo. Affected: yes. Observed: 2 heterozygotes.

CeGaT Center for Human Genetics Tuebingen
Classification: Pathogenic. Last evaluated: 2019-11-01. Review status: criteria provided, single submitter. Criteria: CeGaT Center For Human Genetics Tuebingen Variant Classification Criteria Version 2. Collection method: clinical testing. Allele origin: germline. Affected: yes. Observed: 2 variant alleles.

Laboratoire Génétique Moléculaire, CHRU TOURS
Classification: Pathogenic. Last evaluated: 2019-01-14. Review status: criteria provided, single submitter. Criteria: ACMG Guidelines, 2015. Collection method: clinical testing. Allele origin: de novo. Affected: yes.

Literature cited by the submitters: PubMed 16053902 (cited by Labcorp Genetics (formerly Invitae), Labcorp and Variantyx, Inc.); PubMed 15121779 (cited by Variantyx, Inc.); PubMed 19842203 (cited by Variantyx, Inc.).

NM_014795.4(ZEB2):c.3046C>T (p.Arg1016Ter)

Gene: ZEB2 (zinc finger E-box binding homeobox 2; minus strand). Cytogenetic location: 2q22.3.
Variant type: single nucleotide variant.
Coding change: c.3046C>T on transcript NM_014795.4 (MANE Select); coding-DNA position 3046, C replaced by T.
Protein change: p.Arg1016Ter; replaces arginine 1016 with a stop codon.
Molecular consequence: nonsense.
Genome position (GRCh38, 1-based): chr2:144,396,433, G>A on the plus strand (C>T on the coding strand, the complement: ZEB2 is on the minus strand). VCF-style: chr2-144396433-G-A. GRCh37 (hg19) VCF-style: chr2-145154000-G-A.
Other names: c.2974C>T, p.Arg992Ter (NM_001171653.2); short protein forms R1016*, R992*.
Identifiers: ClinVar variation 280856 (VCV000280856.64), dbSNP rs886041989, ClinGen allele CA10602783.